The following is an entry in ClinVar:

ClinVar aggregate classification (germline): Uncertain significance (1 of 4 stars; one submission).

Submission:

GeneDx
Classification: Uncertain significance. Last evaluated: 2024-01-31. Review status: criteria provided, single submitter. Criteria: GeneDx Variant Classification Process June 2021. Collection method: clinical testing. Allele origin: germline. Affected: yes.
Comment: Not observed at significant frequency in large population cohorts (gnomAD); Missense variant in a gene in which most reported pathogenic variants are truncating/loss of function; Has not been previously published as pathogenic or benign to our knowledge; Located in a region of TTN within the I-band in which the majority of loss of function variants are significantly associated with autosomal dominant titinopathies (PMID: 27625338, 27869827); This variant is associated with the following publications: (PMID: 23975875)

NM_001267550.2(TTN):c.7397G>C (p.Cys2466Ser)

Genes: TTN (titin; minus strand), LOC126806433 (BRD4-independent group 4 enhancer GRCh37_chr2:179638309-179639508; plus strand). Cytogenetic location: 2q31.2.
Variant type: single nucleotide variant.
Coding change: c.7397G>C on transcript NM_001267550.2 (MANE Select); coding-DNA position 7397, G replaced by C.
Protein change: p.Cys2466Ser; replaces cysteine 2466 with serine.
Molecular consequence: missense variant.
Genome position (GRCh38, 1-based): chr2:178,773,659, C>G on the plus strand (G>C on the coding strand, the complement: TTN is on the minus strand). VCF-style: chr2-178773659-C-G. GRCh37 (hg19) VCF-style: chr2-179638386-C-G.
Other names: c.7397G>C, p.Cys2466Ser (NM_001256850.1, NM_133378.4, NM_133379.5); c.7259G>C, p.Cys2420Ser (NM_003319.4, NM_133432.3, NM_133437.4); short protein forms C2420S, C2466S.
Identifiers: ClinVar variation 3368531 (VCV003368531.1).